The following is an entry in ClinVar:

NM_025257.3(SLC44A4):c.34G>A (p.Ala12Thr)

Genes: EHMT2-AS1 (EHMT2 and SLC44A4 antisense RNA 1; plus strand), SLC44A4 (solute carrier family 44 member 4; minus strand). Cytogenetic location: 6p21.33.
Variant type: single nucleotide variant.
Coding change: c.34G>A on transcript NM_025257.3 (MANE Select); coding-DNA position 34, G replaced by A.
Protein change: p.Ala12Thr; replaces alanine 12 with threonine.
Molecular consequence: missense variant.
Genome position (GRCh38, 1-based): chr6:31,878,947, C>T on the plus strand (G>A on the coding strand, the complement: SLC44A4 is on the minus strand). VCF-style: chr6-31878947-C-T. GRCh37 (hg19) VCF-style: chr6-31846724-C-T.
Other names: c.34G>A, p.Ala12Thr (NM_001178044.2); short protein forms A12T.
Identifiers: ClinVar variation 3649723 (VCV003649723.2).

ClinVar aggregate classification (germline): Uncertain significance (1 of 4 stars; one submission).

Submission:

Labcorp Genetics (formerly Invitae), Labcorp
Classification: Uncertain significance. Last evaluated: 2024-04-12. Review status: criteria provided, single submitter. Criteria: Invitae Variant Classification Sherloc (09022015). Collection method: clinical testing. Allele origin: germline.
Comment: This sequence change replaces alanine, which is neutral and non-polar, with threonine, which is neutral and polar, at codon 12 of the SLC44A4 protein (p.Ala12Thr). This variant is not present in population databases (gnomAD no frequency). This variant has not been reported in the literature in individuals affected with SLC44A4-related conditions. An algorithm developed to predict the effect of missense changes on protein structure and function (PolyPhen-2) suggests that this variant is likely to be tolerated. In summary, the available evidence is currently insufficient to determine the role of this variant in disease. Therefore, it has been classified as a Variant of Uncertain Significance.